The following is an entry in ClinVar:

ClinVar aggregate classification (germline): Uncertain significance (1 of 4 stars; one submission).

Submission:

Labcorp Genetics (formerly Invitae), Labcorp
Classification: Uncertain significance. Last evaluated: 2022-09-13. Review status: criteria provided, single submitter. Criteria: Invitae Variant Classification Sherloc (09022015). Collection method: clinical testing. Allele origin: germline.
Comment: In summary, the available evidence is currently insufficient to determine the role of this variant in disease. Therefore, it has been classified as a Variant of Uncertain Significance. Algorithms developed to predict the effect of sequence changes on RNA splicing suggest that this variant may create or strengthen a splice site. This variant has not been reported in the literature in individuals affected with PRUNE1-related conditions. This variant is not present in population databases (gnomAD no frequency). This sequence change falls in intron 2 of the PRUNE1 gene. It does not directly change the encoded amino acid sequence of the PRUNE1 protein.

NM_021222.3(PRUNE1):c.132+7A>G

Gene: PRUNE1 (prune exopolyphosphatase 1; plus strand). Cytogenetic location: 1q21.3.
Variant type: single nucleotide variant.
Coding change: c.132+7A>G on transcript NM_021222.3 (MANE Select); 7 bases into the intron after coding-DNA position 132, A replaced by G.
Molecular consequence: intron variant.
Genome position (GRCh38, 1-based): chr1:151,017,911, A>G. VCF-style: chr1-151017911-A-G. GRCh37 (hg19) VCF-style: chr1-150990387-A-G.
Other names: c.132+7A>G (NM_001303242.2); c.-128+7A>G (NM_001303243.2); c.-212+7A>G (NM_001303229.2).
Identifiers: ClinVar variation 2006178 (VCV002006178.4), dbSNP rs771243723, ClinGen allele CA2580060988.
Genomic context (GRCh38, chr1:151,017,911, plus strand): 5'-TGTGATTTGGACTCCACAGTGTCTGCTCTTGCCCTGGCTTTTTACCTAGCAAAGGTGGGT[A>G]AAAAAACGTAGTACCTAGGATCTGAGTCCCTCAGAACGAAAAGATCTGGATTCAAGACCC-3'